The following is an entry in ClinVar:

NM_004370.6(COL12A1):c.3258G>A (p.Arg1086=)

Gene: COL12A1 (collagen type XII alpha 1 chain; minus strand). Cytogenetic location: 6q13.
Variant type: single nucleotide variant.
Coding change: c.3258G>A on transcript NM_004370.6 (MANE Select); coding-DNA position 3258, G replaced by A.
Protein change: p.Arg1086=; no amino-acid change (arginine 1086 retained).
Molecular consequence: synonymous variant. On other transcripts: intron variant (2).
Genome position (GRCh38, 1-based): chr6:75,155,847, C>T on the plus strand (G>A on the coding strand, the complement: COL12A1 is on the minus strand). VCF-style: chr6-75155847-C-T. GRCh37 (hg19) VCF-style: chr6-75865563-C-T.
Other names: c.3258G>A, p.Arg1086= (NM_001424113.1, NM_001424114.1); c.2985G>A, p.Arg995= (NM_001424115.1); c.74-3365G>A (NM_001424116.1, NM_080645.3).
Identifiers: ClinVar variation 3026309 (VCV003026309.22), dbSNP rs547855784, ClinGen allele CA141011482.
Genomic context (GRCh38, chr6:75,155,847, plus strand): 5'-AGTCACTCGGAAGCTTGACATGGTTGGGTCAGATGTTTTGAGGTTTCTAGGAGACTTAAA[C>T]CGAGAAGCTGTAAAGACAAAAAGATTTTTAAAATATTATCTGTAAGACTAGGCTTTGGGG-3'
Protein context (NP_004361.3, residues 1076-1096): LRQGSGTTAS[Arg1086=]FKSPRNLKTS

ClinVar aggregate classification (germline): Likely benign (1 of 4 stars; one submission).

Allele frequency attached by ClinVar (database versions not stated): gnomAD exomes 0.00001; gnomAD 0.00002; 1000 Genomes Project 0.00020; 1000 Genomes Project 30x 0.00031.
gnomAD v4.1: 7 of 1,595,374 alleles (0.00044%); highest among the groups gnomAD compares: South Asian, 0.0011%; no homozygotes.

Submission:

CeGaT Center for Human Genetics Tuebingen
Classification: Likely benign. Last evaluated: 2024-01-01. Review status: criteria provided, single submitter. Criteria: CeGaT Center For Human Genetics Tuebingen Variant Classification Criteria Version 2. Collection method: clinical testing. Allele origin: germline. Affected: yes. Observed: 1 variant allele.
Comment: COL12A1: BP4, BP7